The following is an entry in ClinVar:

NM_183357.3(ADCY5):c.23G>T (p.Ser8Ile)

Gene: ADCY5 (adenylate cyclase 5; minus strand). Cytogenetic location: 3q21.1.
Variant type: single nucleotide variant.
Coding change: c.23G>T on transcript NM_183357.3 (MANE Select); coding-DNA position 23, G replaced by T.
Protein change: p.Ser8Ile; replaces serine 8 with isoleucine.
Molecular consequence: missense variant.
Genome position (GRCh38, 1-based): chr3:123,448,523, C>A on the plus strand (G>T on the coding strand, the complement: ADCY5 is on the minus strand). VCF-style: chr3-123448523-C-A. GRCh37 (hg19) VCF-style: chr3-123167370-C-A.
Other names: c.23G>T (NM_183357.2); c.23G>T, p.Ser8Ile (NM_001378259.1); short protein forms S8I.
Identifiers: ClinVar variation 2422004 (VCV002422004.7), dbSNP rs1945873405, ClinGen allele CA354359077.

ClinVar aggregate classification (germline): Uncertain significance. Review status: criteria provided, multiple submitters, no conflicts (2 of 4 stars). 2 submissions from 2 submitters: Uncertain significance (2). Last evaluated 2025-03-25.

Conditions:
Inborn genetic diseases. Identifiers: MedGen C0950123, MeSH D030342.

Allele frequency attached by ClinVar (database versions not stated): gnomAD exomes below 0.00001; gnomAD 0.00001; TOPMed 0.00002.
gnomAD v4.1: 6 of 1,265,636 alleles (0.00047%); highest among the groups gnomAD compares: Admixed American, 0.0084%; no homozygotes.

Submissions (2):

Ambry Genetics
Classification: Uncertain significance for Inborn genetic diseases. Last evaluated: 2025-03-25. Review status: criteria provided, single submitter. Criteria: Ambry Variant Classification Scheme 2023. Collection method: clinical testing. Allele origin: germline.

Labcorp Genetics (formerly Invitae), Labcorp
Classification: Uncertain significance. Last evaluated: 2023-08-10. Review status: criteria provided, single submitter. Criteria: Invitae Variant Classification Sherloc (09022015). Collection method: clinical testing. Allele origin: germline.
Comment: This sequence change replaces serine, which is neutral and polar, with isoleucine, which is neutral and non-polar, at codon 8 of the ADCY5 protein (p.Ser8Ile). This variant is not present in population databases (gnomAD no frequency). This variant has not been reported in the literature in individuals affected with ADCY5-related conditions. ClinVar contains an entry for this variant (Variation ID: 2422004). Advanced modeling of protein sequence and biophysical properties (such as structural, functional, and spatial information, amino acid conservation, physicochemical variation, residue mobility, and thermodynamic stability) has been performed at Invitae for this missense variant, however the output from this modeling did not meet the statistical confidence thresholds required to predict the impact of this variant on ADCY5 protein function. In summary, the available evidence is currently insufficient to determine the role of this variant in disease. Therefore, it has been classified as a Variant of Uncertain Significance.